The following is an entry in ClinVar:

NM_004006.3(DMD):c.4651C>T (p.His1551Tyr)

Gene: DMD (dystrophin; minus strand). Cytogenetic location: Xp21.1.
Variant type: single nucleotide variant.
Coding change: c.4651C>T on transcript NM_004006.3 (MANE Select); coding-DNA position 4651, C replaced by T.
Protein change: p.His1551Tyr; replaces histidine 1551 with tyrosine.
Molecular consequence: missense variant.
Genome position (GRCh38, 1-based): chrX:32,386,333, G>A on the plus strand (C>T on the coding strand, the complement: DMD is on the minus strand). VCF-style: chrX-32386333-G-A. GRCh37 (hg19) VCF-style: chrX-32404450-G-A.
Other names: c.4627C>T, p.His1543Tyr (NM_000109.4); c.4639C>T, p.His1547Tyr (NM_004009.3); c.4282C>T, p.His1428Tyr (NM_004010.3); c.628C>T, p.His210Tyr (NM_004011.4); c.619C>T, p.His207Tyr (NM_004012.4); short protein forms H1428Y, H1543Y, H1547Y, H1551Y, H207Y, H210Y.
Identifiers: ClinVar variation 4527523 (VCV004527523.2).
Genomic context (GRCh38, chrX:32,386,333, plus strand): 5'-GTGGAAAGAAGTGTTTGTGGTCTCAGCATGCACACACCTTTGCTCCCAGCTCATTATAAT[G>A]CAATTTCAAAGCTGTTACTCTTTCATCAAGTTCTTTGGGATTTTCCGTCTGCTTTTTCTG-3'
Protein context (NP_003997.2, residues 1541-1561): LDERVTALKL[His1551Tyr]YNELGAKVTE

ClinVar aggregate classification (germline): Uncertain significance. Review status: criteria provided, multiple submitters, no conflicts (2 of 4 stars). 2 submissions from 2 submitters: Uncertain significance (2). Last evaluated 2025-08-31.

Conditions:
Duchenne muscular dystrophy (DMD). Also called: MUSCULAR DYSTROPHY, PSEUDOHYPERTROPHIC PROGRESSIVE, DUCHENNE TYPE; Duchenne Muscular Dystrophy (DMD). Identifiers: Orphanet 98896, MedGen C0013264, MONDO:0010679, OMIM 310200.

gnomAD v4.1: 2 of 1,208,847 alleles (0.00017%); highest among the groups gnomAD compares: Non-Finnish European, 0.00022%; no homozygotes.

Submissions (2):

Labcorp Genetics (formerly Invitae), Labcorp
Classification: Uncertain significance for Duchenne muscular dystrophy. Last evaluated: 2025-08-31. Review status: criteria provided, single submitter. Criteria: Invitae Variant Classification Sherloc (09022015). Collection method: clinical testing. Allele origin: germline.
Comment: This sequence change replaces histidine, which is basic and polar, with tyrosine, which is neutral and polar, at codon 1551 of the DMD protein (p.His1551Tyr). This variant is not present in population databases (gnomAD no frequency). This variant has not been reported in the literature in individuals affected with DMD-related conditions. Invitae Evidence Modeling of protein sequence and biophysical properties (such as structural, functional, and spatial information, amino acid conservation, physicochemical variation, residue mobility, and thermodynamic stability) indicates that this missense variant is not expected to disrupt DMD protein function with a negative predictive value of 95%. In summary, the available evidence is currently insufficient to determine the role of this variant in disease. Therefore, it has been classified as a Variant of Uncertain Significance.

GeneDx
Classification: Uncertain significance. Last evaluated: 2025-04-25. Review status: criteria provided, single submitter. Criteria: GeneDx Variant Classification Process June 2021. Collection method: clinical testing. Allele origin: germline. Affected: yes.
Comment: Not observed at significant frequency in large population cohorts (gnomAD); In silico analysis indicates that this missense variant does not alter protein structure/function; Has not been previously published as pathogenic or benign to our knowledge